The following is an entry in ClinVar:

NM_003470.3(USP7):c.1849_1850dup (p.Gln617fs)

Gene: USP7 (ubiquitin specific peptidase 7; minus strand). Cytogenetic location: 16p13.2.
Variant type: Microsatellite.
Coding change: c.1849_1850dup on transcript NM_003470.3 (MANE Select); coding-DNA positions 1849 to 1850, 2 bases duplicated (CA; older notation c.1849_1850dupCA).
Protein change: p.Gln617fs; shifts the reading frame from glutamine 617.
Molecular consequence: frameshift variant. On other transcripts: non-coding transcript variant (1).
Genome position (GRCh38, 1-based): chr16:8,902,472-8,902,473, TG duplicated on the plus strand (CA on the coding strand, the reverse complement: USP7 is on the minus strand); duplicating any 2 consecutive bases within chr16:8,902,472-8,902,475 gives the same sequence; the c. name uses the placement nearest the transcript's 3' end. VCF-style (leftmost placement, unchanged base first): chr16-8902471-T-TTG. GRCh37 (hg19) VCF-style: chr16-8996328-T-TTG.
Other names: NR_135826.2:n.1830_1831dup; c.1801_1802dup, p.Gln601fs (NM_001286457.2); c.1552_1553dup, p.Gln518fs (NM_001286458.2); c.1675_1676dup, p.Gln559fs (NM_001321858.2); short protein forms Q518fs, Q617fs, Q559fs, Q601fs.
Identifiers: ClinVar variation 2412746 (VCV002412746.1), dbSNP rs2549225175, ClinGen allele CA2573332482.
Genomic context (GRCh38, chr16:8,902,471, plus strand): 5'-CATTGCTGGTCGTTTTGTTCCATTACTCCTTGCTTGCATGGGCCACAATCGAATTTGATC[T>TTG]TGTGGAAATCCCTGAAAAAAATATTAAGAGTAGATTAAAATAAAAACACGCTCATATTTT-3'

ClinVar aggregate classification (germline): Likely pathogenic (1 of 4 stars; one submission).

Conditions:
Hao-Fountain syndrome (HAFOUS). Identifiers: Orphanet 643549, MedGen C5393908, MONDO:0014805.

Submission:

Broad Center for Mendelian Genomics, Broad Institute of MIT and Harvard
Classification: Likely pathogenic for Hao-Fountain syndrome. Last evaluated: 2023-01-25. Review status: criteria provided, single submitter. Criteria: ACMG Guidelines, 2015. Collection method: curation. Allele origin: germline. Inheritance: Autosomal dominant inheritance.
Comment: Trio exome analysis showed this variant to be de novo. The p.Gln617HisfsTer23 variant in USP7 has not been previously reported in individuals with Hao-Fountain syndrome. This variant was absent from large population studies. This variant is predicted to cause a frameshift, which alters the protein‚Äôs amino acid sequence beginning at position 167 and leads to a premature termination codon 23 amino acids downstream. This alteration is then predicted to lead to a truncated or absent protein. Heterozygous loss of function of the USP7 gene is strongly associated to autosomal dominant Hao-Fountain syndrome. In summary, although additional studies are required to fully establish its clinical significance, this variant is likely pathogenic for Hao-Fountain syndrome. ACMG/AMP Criteria applied: PVS1_Strong, PS2_Supporting, PM2_Supporting (Richards 2015).